The following is an entry in ClinVar:

ClinVar aggregate classification (germline): Uncertain significance (1 of 4 stars; one submission).

Submission:

Labcorp Genetics (formerly Invitae), Labcorp
Classification: Uncertain significance. Last evaluated: 2022-02-09. Review status: criteria provided, single submitter. Criteria: Invitae Variant Classification Sherloc (09022015). Collection method: clinical testing. Allele origin: germline.
Comment: In summary, the available evidence is currently insufficient to determine the role of this variant in disease. Therefore, it has been classified as a Variant of Uncertain Significance. Advanced modeling of protein sequence and biophysical properties (such as structural, functional, and spatial information, amino acid conservation, physicochemical variation, residue mobility, and thermodynamic stability) performed at Invitae indicates that this missense variant is not expected to disrupt CDHR1 protein function. ClinVar contains an entry for this variant (Variation ID: 966570). This variant has not been reported in the literature in individuals affected with CDHR1-related conditions. This variant is not present in population databases (gnomAD no frequency). This sequence change replaces leucine, which is neutral and non-polar, with phenylalanine, which is neutral and non-polar, at codon 818 of the CDHR1 protein (p.Leu818Phe).

NM_033100.4(CDHR1):c.2452C>T (p.Leu818Phe)

Gene: CDHR1 (cadherin related family member 1; plus strand). Cytogenetic location: 10q23.1.
Variant type: single nucleotide variant.
Coding change: c.2452C>T on transcript NM_033100.4 (MANE Select); coding-DNA position 2452, C replaced by T.
Protein change: p.Leu818Phe; replaces leucine 818 with phenylalanine.
Molecular consequence: missense variant. On other transcripts: intron variant (1).
Genome position (GRCh38, 1-based): chr10:84,214,493, C>T. VCF-style: chr10-84214493-C-T. GRCh37 (hg19) VCF-style: chr10-85974249-C-T.
Other names: c.2040+1145C>T (NM_001171971.3); short protein forms L818F.
Identifiers: ClinVar variation 966570 (VCV000966570.9), dbSNP rs1842395439, ClinGen allele CA377380115.